The following is an entry in ClinVar:

ClinVar aggregate classification (germline): Uncertain significance (1 of 4 stars; one submission).

Conditions:
Peroxisome biogenesis disorder 9B. Also called: PEX7-Related Refsum Disease; Refsum disease, adult, 2; PEROXISOME BIOGENESIS DISORDER, PEX7-RELATED, ATYPICAL. Identifiers: Orphanet 773, MedGen C2749346, MONDO:0013945, OMIM 614879.

Allele frequency attached by ClinVar (database versions not stated): TOPMed below 0.00001; gnomAD 0.00001.
gnomAD v4.1: 1 of 1,496,678 alleles (0.000067%); highest among the groups gnomAD compares: African/African-American, 0.0015%; no homozygotes.

Submission:

Labcorp Genetics (formerly Invitae), Labcorp
Classification: Uncertain significance for Peroxisome biogenesis disorder 9B. Last evaluated: 2022-04-11. Review status: criteria provided, single submitter. Criteria: Invitae Variant Classification Sherloc (09022015). Collection method: clinical testing. Allele origin: germline.
Comment: In summary, the available evidence is currently insufficient to determine the role of this variant in disease. Therefore, it has been classified as a Variant of Uncertain Significance. This sequence change replaces proline, which is neutral and non-polar, with alanine, which is neutral and non-polar, at codon 26 of the PEX7 protein (p.Pro26Ala). This variant is not present in population databases (gnomAD no frequency). This variant has not been reported in the literature in individuals affected with PEX7-related conditions. Algorithms developed to predict the effect of missense changes on protein structure and function (SIFT, PolyPhen-2, Align-GVGD) all suggest that this variant is likely to be disruptive.

NM_000288.4(PEX7):c.76C>G (p.Pro26Ala)

Gene: PEX7 (peroxisomal biogenesis factor 7; plus strand). Cytogenetic location: 6q23.3.
Variant type: single nucleotide variant.
Coding change: c.76C>G on transcript NM_000288.4 (MANE Select); coding-DNA position 76, C replaced by G.
Protein change: p.Pro26Ala; replaces proline 26 with alanine.
Molecular consequence: missense variant.
Genome position (GRCh38, 1-based): chr6:136,822,741, C>G. VCF-style: chr6-136822741-C-G. GRCh37 (hg19) VCF-style: chr6-137143879-C-G.
Other names: short protein forms P26A.
Identifiers: ClinVar variation 2167795 (VCV002167795.4), dbSNP rs1774100244, ClinGen allele CA365855284.
Genomic context (GRCh38, chr6:136,822,741, plus strand): 5'-GGTGGAGCGGCGCGGATGCTGCGGACGCCGGGACGCCACGGCTACGCCGCCGAGTTCTCC[C>G]CGTACCTGCCGGGCCGCCTGGCCTGCGCCACCGCGCAGCACTACGGCATCGCGGGTGAGG-3'
Protein context (NP_000279.1, residues 16-36): GRHGYAAEFS[Pro26Ala]YLPGRLACAT